The following is an entry in ClinVar:

NM_002519.3(NPAT):c.3953C>T (p.Pro1318Leu)

Gene: NPAT (nuclear protein, coactivator of histone transcription; minus strand). Cytogenetic location: 11q22.3.
Variant type: single nucleotide variant.
Coding change: c.3953C>T on transcript NM_002519.3 (MANE Select); coding-DNA position 3953, C replaced by T.
Protein change: p.Pro1318Leu; replaces proline 1318 with leucine.
Molecular consequence: missense variant.
Genome position (GRCh38, 1-based): chr11:108,161,133, G>A on the plus strand (C>T on the coding strand, the complement: NPAT is on the minus strand). VCF-style: chr11-108161133-G-A. GRCh37 (hg19) VCF-style: chr11-108031860-G-A.
Other names: c.3974C>T, p.Pro1325Leu (NM_001321307.1); short protein forms P1318L, P1325L.
Identifiers: ClinVar variation 1736455 (VCV001736455.2), dbSNP rs747974878, ClinGen allele CA382509685.

ClinVar aggregate classification (germline): Uncertain significance (1 of 4 stars; one submission).

Allele frequency attached by ClinVar (database versions not stated): gnomAD 0.00001.
gnomAD v4.1: 2 of 1,614,078 alleles (0.00012%); highest among the groups gnomAD compares: African/African-American, 0.0013%; no homozygotes.

Submission:

Ambry Genetics
Classification: Uncertain significance. Last evaluated: 2022-05-21. Review status: criteria provided, single submitter. Criteria: Ambry Variant Classification Scheme 2023. Collection method: clinical testing. Allele origin: germline.
Comment: The p.P1318L variant (also known as c.3953C>T), located in coding exon 17 of the NPAT gene, results from a C to T substitution at nucleotide position 3953. The proline at codon 1318 is replaced by leucine, an amino acid with similar properties. This amino acid position is conserved. In addition, the in silico prediction for this alteration is inconclusive. Since supporting evidence is limited at this time, the clinical significance of this alteration remains unclear.